The following is an entry in ClinVar:

ClinVar aggregate classification (germline): Benign. Review status: criteria provided, multiple submitters, no conflicts (2 of 4 stars). 5 submissions from 5 submitters: Benign (5). Last evaluated 2026-02-04.

Allele frequency attached by ClinVar (database versions not stated): TOPMed 0.17420; ExAC 0.22824; 1000 Genomes Project 0.16334; gnomAD 0.18465 and 0.18503; gnomAD exomes 0.20813 and 0.19246; 1000 Genomes Project 30x 0.15881; ESP Exome Variant Server 0.17480.
gnomAD v4.1: 329,611 of 1,602,452 alleles (21%); highest among the groups gnomAD compares: East Asian, 22%; 34,855 homozygotes.

Submissions (5):

Labcorp Genetics (formerly Invitae), Labcorp
Classification: Benign. Last evaluated: 2026-02-04. Review status: criteria provided, single submitter. Criteria: Invitae Variant Classification Sherloc (09022015). Collection method: clinical testing. Allele origin: germline.

Unidad de Genómica Garrahan, Hospital de Pediatría Garrahan
Classification: Benign. Last evaluated: 2023-11-12. Review status: criteria provided, single submitter. Criteria: ACMG Guidelines, 2015. Collection method: clinical testing. Allele origin: germline. Affected: no. Observed: 27 variant alleles.
Comment: This variant is classified as Benign based on local population frequency. This variant was detected in 28% of patients studied by a panel of primary immunodeficiencies. Number of patients: 27. Only high quality variants are reported.

Mayo Clinic Laboratories, Mayo Clinic
Classification: Benign. Last evaluated: 2022-09-29. Review status: criteria provided, single submitter. Criteria: ACMG Guidelines, 2015. Collection method: clinical testing. Allele origin: germline. Observed: 616 variant alleles.

GeneDx
Classification: Benign. Last evaluated: 2018-11-27. Review status: criteria provided, single submitter. Criteria: GeneDx Variant Classification Process June 2021. Collection method: clinical testing. Allele origin: germline. Affected: yes.

Breakthrough Genomics
Classification: Benign. Review status: criteria provided, single submitter. Criteria: ACMG Guidelines, 2015. Collection method: not provided. Allele origin: germline. Inheritance: Autosomal recessive inheritance. Affected: yes.

NM_001261826.3(AP3D1):c.1956T>C (p.Arg652=)

Gene: AP3D1 (adaptor related protein complex 3 subunit delta 1; minus strand). Cytogenetic location: 19p13.3.
Variant type: single nucleotide variant.
Coding change: c.1956T>C on transcript NM_001261826.3 (MANE Select); coding-DNA position 1956, T replaced by C.
Protein change: p.Arg652=; no amino-acid change (arginine 652 retained).
Molecular consequence: synonymous variant.
Genome position (GRCh38, 1-based): chr19:2,116,650, A>G on the plus strand (T>C on the coding strand, the complement: AP3D1 is on the minus strand). VCF-style: chr19-2116650-A-G. GRCh37 (hg19) VCF-style: chr19-2116649-A-G.
Other names: p.Arg652=; c.1956T>C, p.Arg652= (NM_001374799.1, NM_003938.8).
Identifiers: ClinVar variation 1169443 (VCV001169443.16), dbSNP rs2074960, ClinGen allele CA9059111.